The following is an entry in ClinVar:

ClinVar aggregate classification (germline): Uncertain significance. Review status: criteria provided, multiple submitters, no conflicts (2 of 4 stars). 3 submissions from 3 submitters: Uncertain significance (3). Last evaluated 2025-08-07.

Conditions:
Inborn genetic diseases. Identifiers: MedGen C0950123, MeSH D030342.
Brachydactyly type B1 (BDB1). Identifiers: Orphanet 572385, Orphanet 93383, MedGen C1862112, MONDO:0007220, OMIM 113000.
Autosomal recessive Robinow syndrome (RRS1). Also called: COSTOVERTEBRAL SEGMENTATION DEFECT WITH MESOMELIA; COVESDEM SYNDROME; ROBINOW SYNDROME, AUTOSOMAL RECESSIVE 1; ROR2-Related Robinow Syndrome. Identifiers: Orphanet 1507, Orphanet 97360, MedGen C5399974, MONDO:0009999, OMIM 268310.

Allele frequency attached by ClinVar (database versions not stated): TOPMed 0.00001; gnomAD exomes 0.00003.

Submissions (3):

Labcorp Genetics (formerly Invitae), Labcorp
Classification: Uncertain significance. Last evaluated: 2025-08-07. Review status: criteria provided, single submitter. Criteria: Invitae Variant Classification Sherloc (09022015). Collection method: clinical testing. Allele origin: germline.
Comment: This sequence change replaces histidine, which is basic and polar, with tyrosine, which is neutral and polar, at codon 571 of the ROR2 protein (p.His571Tyr). This variant is present in population databases (no rsID available, gnomAD 0.002%). This variant has not been reported in the literature in individuals affected with ROR2-related conditions. ClinVar contains an entry for this variant (Variation ID: 2372077). Invitae Evidence Modeling of protein sequence and biophysical properties (such as structural, functional, and spatial information, amino acid conservation, physicochemical variation, residue mobility, and thermodynamic stability) indicates that this missense variant is not expected to disrupt ROR2 protein function with a negative predictive value of 80%. In summary, the available evidence is currently insufficient to determine the role of this variant in disease. Therefore, it has been classified as a Variant of Uncertain Significance.

Fulgent Genetics
Classification: Uncertain significance for Brachydactyly type B1; Autosomal recessive Robinow syndrome. Last evaluated: 2024-01-30. Review status: criteria provided, single submitter. Criteria: ACMG Guidelines, 2015. Collection method: clinical testing. Allele origin: germline.

Ambry Genetics
Classification: Uncertain significance for Inborn genetic diseases. Last evaluated: 2022-12-21. Review status: criteria provided, single submitter. Criteria: Ambry Variant Classification Scheme 2023. Collection method: clinical testing. Allele origin: germline.

NM_004560.4(ROR2):c.1711C>T (p.His571Tyr)

Gene: ROR2 (receptor tyrosine kinase like orphan receptor 2; minus strand). Cytogenetic location: 9q22.31.
Variant type: single nucleotide variant.
Coding change: c.1711C>T on transcript NM_004560.4 (MANE Select); coding-DNA position 1711, C replaced by T.
Protein change: p.His571Tyr; replaces histidine 571 with tyrosine.
Molecular consequence: missense variant.
Genome position (GRCh38, 1-based): chr9:91,724,783, G>A on the plus strand (C>T on the coding strand, the complement: ROR2 is on the minus strand). VCF-style: chr9-91724783-G-A. GRCh37 (hg19) VCF-style: chr9-94487065-G-A.
Other names: short protein forms H571Y.
Identifiers: ClinVar variation 2372077 (VCV002372077.4), dbSNP rs1448795991, ClinGen allele CA373797731.
Genomic context (GRCh38, chr9:91,724,783, plus strand): 5'-CGGGGGGCTCCAGGGCGGACTTCACCGTGCGGTCATCATCGGTGCTGCCCACGTCCGAGT[G>A]CGGCGAGCGCATGACCAGGAATTCGTGGAGGTCGCCGTGCGAACAGTAGCTGAAGATCAT-3'
Protein context (NP_004551.2, residues 561-581): LHEFLVMRSP[His571Tyr]SDVGSTDDDR